The following is an entry in ClinVar:

NM_001276345.2(TNNT2):c.421C>T (p.Arg141Trp)

Gene: TNNT2 (troponin T2, cardiac type; minus strand). Cytogenetic location: 1q32.1.
Variant type: single nucleotide variant.
Coding change: c.421C>T on transcript NM_001276345.2 (MANE Select); coding-DNA position 421, C replaced by T.
Protein change: p.Arg141Trp; replaces arginine 141 with tryptophan.
Molecular consequence: missense variant.
Genome position (GRCh38, 1-based): chr1:201,364,366, G>A on the plus strand (C>T on the coding strand, the complement: TNNT2 is on the minus strand). VCF-style: chr1-201364366-G-A. GRCh37 (hg19) VCF-style: chr1-201333494-G-A.
Other names: p.R131W:CGG>TGG; c.421C>T, p.Arg141Trp (NM_000364.4); c.391C>T, p.Arg131Trp (NM_001001430.3, NM_001001431.3, NM_001276347.2); c.376C>T, p.Arg126Trp (NM_001001432.3); c.301C>T, p.Arg101Trp (NM_001276346.2); short protein forms R131W, R141W, R126W, R101W.
Identifiers: ClinVar variation 12415 (VCV000012415.28), dbSNP rs74315380, ClinGen allele CA090410.
Genomic context (GRCh38, chr1:201,364,366, plus strand): 5'-GGTTCTGCCGCTCCTTCTCCCGCTCATTCCGGATGCGCTGCTGCTCGGCCCGCTCTGCCC[G>A]ACGTCTCTCCTAAGGAGAAGAGGCAAAGCCCACCCAGGTGTGCATAGGGAGAAGGTGACA-3'
Protein context (NP_001263274.1, residues 131-151): VSLKDRIERR[Arg141Trp]AERAEQQRIR

ClinVar aggregate classification (germline): Pathogenic/Likely pathogenic. Review status: criteria provided, multiple submitters, no conflicts (2 of 4 stars). 11 submissions from 9 submitters: Pathogenic (5); Likely pathogenic (5). 1 of the submissions does not count toward it. Last evaluated 2026-04-22.

Conditions:
Dilated and arrhythmogenic cardiomyopathy.
Cardiovascular phenotype. Identifiers: MedGen CN230736.
Hypertrophic cardiomyopathy 2. Also called: TNNT2-Related Familial Hypertrophic Cardiomyopathy. Identifiers: MedGen C1861864, MONDO:0007266, OMIM 115195.
Dilated cardiomyopathy 1D. Identifiers: Orphanet 154, Orphanet 54260, MedGen C1832243, MONDO:0011095, OMIM 601494.
Cardiomyopathy, familial restrictive, 3. Identifiers: Orphanet 75249, MedGen C2676271, MONDO:0012900, OMIM 612422.
Primary dilated cardiomyopathy (DCM). Also called: Dilated Cardiomyopathy. Identifiers: Orphanet 217604, MedGen C0007193, MeSH D002311, MONDO:0005021, HP:0001644. Inheritance: Various modes of inheritance.

Allele frequency attached by ClinVar (database versions not stated): gnomAD exomes below 0.00001; ExAC 0.00001.

Submissions 1 to 8 of 11:

North West Genomic Laboratory Hub, Manchester University NHS Foundation Trust
Classification: Pathogenic for Dilated and arrhythmogenic cardiomyopathy. Last evaluated: 2026-04-22. Review status: criteria provided, single submitter. Criteria: ACGS Best Practice Guidelines for Variant Classification in Rare Disease 2024. Collection method: clinical testing. Allele origin: germline. Affected: yes.
Comment: PP3_Supp PP1_Supp PS3_Str PS4_Str PM6_Supp

Labcorp Genetics (formerly Invitae), Labcorp
Classification: Pathogenic for Cardiomyopathy, familial restrictive, 3; Hypertrophic cardiomyopathy 2; Dilated cardiomyopathy 1D. Last evaluated: 2026-01-28. Review status: criteria provided, single submitter. Criteria: Invitae Variant Classification Sherloc (09022015). Collection method: clinical testing. Allele origin: germline.
Comment: This sequence change replaces arginine, which is basic and polar, with tryptophan, which is neutral and slightly polar, at codon 131 of the TNNT2 protein (p.Arg131Trp). This variant is not present in population databases (gnomAD no frequency). This missense change has been observed in individual(s) with dilated cardiomyopathy (DCM) and left ventricular non compaction (LVNC) (PMID: 15542288, 18506004, 21551322, 24119082). In at least one individual the variant was observed to be de novo. It has also been observed to segregate with disease in related individuals. ClinVar contains an entry for this variant (Variation ID: 12415). Invitae Evidence Modeling of protein sequence and biophysical properties (such as structural, functional, and spatial information, amino acid conservation, physicochemical variation, residue mobility, and thermodynamic stability) has been performed for this missense variant. However, the output from this modeling did not meet the statistical confidence thresholds required to predict the impact of this variant on TNNT2 protein function. Experimental studies have shown that this missense change affects TNNT2 function (PMID: 15542288, 15923195, 17932326, 22675533). For these reasons, this variant has been classified as Pathogenic.

3billion
Classification: Pathogenic for Dilated cardiomyopathy 1D. Last evaluated: 2024-11-08. Review status: criteria provided, single submitter. Criteria: ACMG Guidelines, 2015. Collection method: clinical testing. Allele origin: germline. Affected: yes.
Comment: The variant is observed at an extremely low frequency in the gnomAD v4.1.0 dataset (total allele frequency: <0.001%). Predicted Consequence/Location: Missense variant Functional studies provide moderate evidence of the variant having a damaging effect on the gene or gene product (PMID: 14654368). In silico tool predictions suggest damaging effect of the variant on gene or gene product [REVEL: 0.82 (>=0.6, sensitivity 0.68 and specificity 0.92); 3Cnet: 0.99 (>=0.6, sensitivity 0.72 and precision 0.9)]. The same nucleotide change resulting in the same amino acid change has been previously reported as pathogenic/likely pathogenic with strong evidence (ClinVar ID: VCV000012415 /PMID: 15542288). Different missense changes at the same codon (p.Arg141Gln, p.Arg141Gly, p.Arg141Pro) have been reported as pathogenic/likely pathogenic with strong evidence (ClinVar ID: VCV000043637, VCV000043638, VCV000389145 /3billion dataset). Therefore, this variant is classified as Pathogenic according to the recommendation of ACMG/AMP guideline.

Ambry Genetics
Classification: Pathogenic for Cardiovascular phenotype. Last evaluated: 2024-07-02. Review status: criteria provided, single submitter. Criteria: Ambry Variant Classification Scheme 2023. Collection method: clinical testing. Allele origin: germline.
Comment: The p.R131W pathogenic mutation (also known as c.391C>T), located in coding exon 9 of the TNNT2 gene, results from a C to T substitution at nucleotide position 391. The arginine at codon 131 is replaced by tryptophan, an amino acid with dissimilar properties. This variant has been detected in multiple individuals with features consistent with dilated cardiomyopathy (DCM) and/or left ventricular non-compaction cardiomyopathy, including a de novo occurrence, and has been reported to segregate with disease in a family with DCM (Mogensen J et al. J Am Coll Cardiol. 2004;44(10):2033-40; Klaassen S et al. Circulation. 2008;117(22):2893-90; Merlo M et al. Clin Transl Sci. 2013;6(6):424-8; Pugh TJ et al. Genet Med. 2014;16(8):601-8; Bagnall RD et al. Circ Genom Precis Med. 2022 Dec;15(6):e003686; Khan RS et al. J Am Heart Assoc. 2022 Jan;11(1):e022854; Ambry internal data). This amino acid position is highly conserved in available vertebrate species. In addition, this alteration is predicted to be deleterious by in silico analysis. This variant is considered to be rare based on population cohorts in the Genome Aggregation Database (gnomAD). Based on the supporting evidence, this variant is interpreted as a disease-causing mutation.

Genome-Nilou Lab
Classification: Likely pathogenic for Dilated cardiomyopathy 1D. Last evaluated: 2023-04-11. Review status: criteria provided, single submitter. Criteria: ACMG Guidelines, 2015. Collection method: clinical testing. Allele origin: germline. Affected: no.

Genome-Nilou Lab
Classification: Likely pathogenic for Cardiomyopathy, familial restrictive, 3. Last evaluated: 2023-04-11. Review status: criteria provided, single submitter. Criteria: ACMG Guidelines, 2015. Collection method: clinical testing. Allele origin: germline. Affected: no.

Genome-Nilou Lab
Classification: Likely pathogenic for Hypertrophic cardiomyopathy 2. Last evaluated: 2023-04-11. Review status: criteria provided, single submitter. Criteria: ACMG Guidelines, 2015. Collection method: clinical testing. Allele origin: germline. Affected: no.

GeneDx
Classification: Pathogenic. Last evaluated: 2022-04-04. Review status: criteria provided, single submitter. Criteria: GeneDx Variant Classification Process June 2021. Collection method: clinical testing. Allele origin: germline. Affected: yes.
Comment: Published functional studies demonstrate a damaging effect as this variant alters troponin protein-protein interaction and calcium affinity (Mogensen et al., 2004; Mirza et al., 2005; Robinson et al., 2007; Liu et al., 2012; Gollapudi et al., 2016); Not observed at significant frequency in large population cohorts (gnomAD); In silico analysis, which includes protein predictors and evolutionary conservation, supports a deleterious effect; This variant is associated with the following publications: (PMID: 32458740, 17932326, 23302633, 24503780, 24817852, 28352236, 34935411, 21551322, 24119082, 15923195, 15542288, 20973921, 25163546, 18056765, 22337857, 27181684, 26183555, 25110706, 22464770, 27757084, 18506004, 27532257, 28611029, 31918855, 33025817, 32618513, 33906374, 22675533)